The following is an entry in ClinVar:

ClinVar aggregate classification (germline): Uncertain significance (1 of 4 stars; one submission).

Conditions:
Dilated cardiomyopathy 1KK (CMD1KK). Identifiers: Orphanet 154, Orphanet 75249, MedGen C3714995, MONDO:0014100, OMIM 615248.

gnomAD v4.1: 1 of 1,613,212 alleles (0.000062%); highest among the groups gnomAD compares: Non-Finnish European, 0.000085%; no homozygotes.

Submission:

Labcorp Genetics (formerly Invitae), Labcorp
Classification: Uncertain significance for Dilated cardiomyopathy 1KK. Last evaluated: 2020-09-01. Review status: criteria provided, single submitter. Criteria: Invitae Variant Classification Sherloc (09022015). Collection method: clinical testing. Allele origin: germline.
Comment: This variant is not present in population databases (ExAC no frequency). This sequence change replaces valine with isoleucine at codon 300 of the MYPN protein (p.Val300Ile). The valine residue is highly conserved and there is a small physicochemical difference between valine and isoleucine. This variant has not been reported in the literature in individuals with MYPN-related conditions. In summary, the available evidence is currently insufficient to determine the role of this variant in disease. Therefore, it has been classified as a Variant of Uncertain Significance. Algorithms developed to predict the effect of missense changes on protein structure and function (SIFT, PolyPhen-2, Align-GVGD) all suggest that this variant is likely to be tolerated, but these predictions have not been confirmed by published functional studies and their clinical significance is uncertain.

NM_032578.4(MYPN):c.898G>A (p.Val300Ile)

Gene: MYPN (myopalladin; plus strand). Cytogenetic location: 10q21.3.
Variant type: single nucleotide variant.
Coding change: c.898G>A on transcript NM_032578.4 (MANE Select); coding-DNA position 898, G replaced by A.
Protein change: p.Val300Ile; replaces valine 300 with isoleucine.
Molecular consequence: missense variant. On other transcripts: 5 prime UTR variant (1), non-coding transcript variant (1).
Genome position (GRCh38, 1-based): chr10:68,122,336, G>A. VCF-style: chr10-68122336-G-A. GRCh37 (hg19) VCF-style: chr10-69882093-G-A.
Other names: c.898G>A, p.Val300Ile (NM_001256267.2); c.-225G>A (NM_001256268.2); short protein forms V300I.
Identifiers: ClinVar variation 1000320 (VCV001000320.7), dbSNP rs1254052635, ClinGen allele CA377105332.